The following is an entry in ClinVar:

NM_145868.2(ANXA11):c.158A>C (p.Tyr53Ser)

Gene: ANXA11 (annexin A11; minus strand). Cytogenetic location: 10q22.3.
Variant type: single nucleotide variant.
Coding change: c.158A>C on transcript NM_145868.2 (MANE Select); coding-DNA position 158, A replaced by C.
Protein change: p.Tyr53Ser; replaces tyrosine 53 with serine.
Molecular consequence: missense variant.
Genome position (GRCh38, 1-based): chr10:80,170,813, T>G on the plus strand (A>C on the coding strand, the complement: ANXA11 is on the minus strand). VCF-style: chr10-80170813-T-G. GRCh37 (hg19) VCF-style: chr10-81930569-T-G.
Other names: c.158A>C, p.Tyr53Ser (NM_001157.3, NM_001278407.2, NM_001278408.2 and 1 more transcripts); c.59A>C, p.Tyr20Ser (NM_001278409.2); short protein forms Y53S, Y20S.
Identifiers: ClinVar variation 3694266 (VCV003694266.2).

ClinVar aggregate classification (germline): Uncertain significance (1 of 4 stars; one submission).

gnomAD v4.1: 1 of 1,483,702 alleles (0.000067%); highest among the groups gnomAD compares: Admixed American, 0.0025%; no homozygotes.

Submission:

Labcorp Genetics (formerly Invitae), Labcorp
Classification: Uncertain significance. Last evaluated: 2024-08-28. Review status: criteria provided, single submitter. Criteria: Invitae Variant Classification Sherloc (09022015). Collection method: clinical testing. Allele origin: germline.
Comment: This sequence change replaces tyrosine, which is neutral and polar, with serine, which is neutral and polar, at codon 53 of the ANXA11 protein (p.Tyr53Ser). This variant is present in population databases (no rsID available, gnomAD 0.007%). This variant has not been reported in the literature in individuals affected with ANXA11-related conditions. Experimental studies and prediction algorithms are not available or were not evaluated, and the functional significance of this variant is currently unknown. In summary, the available evidence is currently insufficient to determine the role of this variant in disease. Therefore, it has been classified as a Variant of Uncertain Significance.